The following is an entry in ClinVar:

NM_001046.3(SLC12A2):c.541G>T (p.Glu181Ter)

Gene: SLC12A2 (solute carrier family 12 member 2; plus strand). Cytogenetic location: 5q23.3.
Variant type: single nucleotide variant.
Coding change: c.541G>T on transcript NM_001046.3 (MANE Select); coding-DNA position 541, G replaced by T.
Protein change: p.Glu181Ter; replaces glutamic acid 181 with a stop codon.
Molecular consequence: nonsense. On other transcripts: non-coding transcript variant (1).
Genome position (GRCh38, 1-based): chr5:128,084,495, G>T. VCF-style: chr5-128084495-G-T. GRCh37 (hg19) VCF-style: chr5-127420187-G-T.
Other names: c.541G>T, p.Glu181Ter (NM_001256461.2); short protein forms E181*.
Identifiers: ClinVar variation 3601715 (VCV003601715.1).

ClinVar aggregate classification (germline): Likely pathogenic (1 of 4 stars; one submission).

Conditions:
Delpire-McNeill syndrome. Also called: SLC12A2-related autosomal dominant infantile-developmental delay-intellectual disability-sensorineural deafness syndrome. Identifiers: Orphanet 633024, MedGen C5436771, MONDO:0033667, OMIM 619083.

Submission:

Institute of Rare Diseases, West China Hospital, Sichuan University
Classification: Likely pathogenic for Delpire-McNeill syndrome. Last evaluated: 2025-01-09. Review status: criteria provided, single submitter. Criteria: ClinGen HL ACMG Specifications v1. Collection method: research. Allele origin: germline. Affected: yes.
Comment: PVS1;PM2_Supporting